The following is an entry in ClinVar:

ClinVar aggregate classification (germline): Uncertain significance (1 of 4 stars; one submission).

Conditions:
Hereditary cancer-predisposing syndrome. Also called: Neoplastic Syndromes, Hereditary; Tumor predisposition; Hereditary Cancer Syndrome; Hereditary neoplastic syndrome. Identifiers: Orphanet 140162, MedGen C0027672, MeSH D009386, MONDO:0015356.

Submission:

Ambry Genetics
Classification: Uncertain significance for Hereditary cancer-predisposing syndrome. Last evaluated: 2025-03-11. Review status: criteria provided, single submitter. Criteria: Ambry Variant Classification Scheme 2023. Collection method: clinical testing. Allele origin: germline.
Comment: The p.E678K variant (also known as c.2032G>A), located in coding exon 4 of the MSH6 gene, results from a G to A substitution at nucleotide position 2032. The glutamic acid at codon 678 is replaced by lysine, an amino acid with similar properties. This amino acid position is highly conserved in available vertebrate species. In addition, this alteration is predicted to be deleterious by in silico analysis. Based on the available evidence, the clinical significance of this variant remains unclear.

NM_000179.3(MSH6):c.2032G>A (p.Glu678Lys)

Gene: MSH6 (mutS homolog 6; plus strand). Cytogenetic location: 2p16.3.
Variant type: single nucleotide variant.
Coding change: c.2032G>A on transcript NM_000179.3 (MANE Select); coding-DNA position 2032, G replaced by A.
Protein change: p.Glu678Lys; replaces glutamic acid 678 with lysine.
Molecular consequence: missense variant.
Genome position (GRCh38, 1-based): chr2:47,800,015, G>A. VCF-style: chr2-47800015-G-A. GRCh37 (hg19) VCF-style: chr2-48027154-G-A.
Other names: c.1642G>A, p.Glu548Lys (NM_001281492.2); c.1126G>A, p.Glu376Lys (NM_001281493.2, NM_001281494.2, NM_001406811.1 and 6 more transcripts); c.2128G>A, p.Glu710Lys (NM_001406795.1, NM_001406802.1); c.2032G>A, p.Glu678Lys (NM_001406796.1, NM_001406798.1, NM_001406800.1 and 3 more transcripts); c.1735G>A, p.Glu579Lys (NM_001406797.1, NM_001406801.1, NM_001406805.1 and 10 more transcripts); c.1507G>A, p.Glu503Lys (NM_001406799.1, NM_001406806.1, NM_001406807.1); c.1954G>A, p.Glu652Lys (NM_001406804.1); c.2038G>A, p.Glu680Lys (NM_001406813.1); and 1 more; short protein forms E376K, E548K, E678K, E503K, E579K, E710K, E622K, E652K.
Identifiers: ClinVar variation 1784778 (VCV001784778.3), dbSNP rs751778243, ClinGen allele CA346750724.
Genomic context (GRCh38, chr2:47,800,015, plus strand): 5'-GTGCTTAAAGGTATGACTTCAGAGTCTGATTCCATTGGGTTGACACCAGGAGAGAAAAGT[G>A]AATTGGCCCTCTCTGCTCTAGGTGGTTGTGTCTTCTACCTCAAAAAATGCCTTATTGATC-3'
Protein context (NP_000170.1, residues 668-688): SIGLTPGEKS[Glu678Lys]LALSALGGCV